The following is an entry in ClinVar:

ClinVar aggregate classification (germline): Uncertain significance (1 of 4 stars; one submission).

Conditions:
Atrioventricular septal defect 5 (AVSD5). Identifiers: MedGen C3280939, MONDO:0013769, OMIM 614474.

Allele frequency attached by ClinVar (database versions not stated): gnomAD exomes below 0.00001.
gnomAD v4.1: 1 of 1,614,224 alleles (0.000062%); highest among the groups gnomAD compares: Non-Finnish European, 0.000085%; no homozygotes.

Submission:

Labcorp Genetics (formerly Invitae), Labcorp
Classification: Uncertain significance for Atrioventricular septal defect 5. Last evaluated: 2022-03-27. Review status: criteria provided, single submitter. Criteria: Invitae Variant Classification Sherloc (09022015). Collection method: clinical testing. Allele origin: germline.
Comment: In summary, the available evidence is currently insufficient to determine the role of this variant in disease. Therefore, it has been classified as a Variant of Uncertain Significance. Algorithms developed to predict the effect of missense changes on protein structure and function (SIFT, PolyPhen-2, Align-GVGD) all suggest that this variant is likely to be tolerated. This variant has not been reported in the literature in individuals affected with GATA6-related conditions. This variant is not present in population databases (gnomAD no frequency). This sequence change replaces methionine, which is neutral and non-polar, with valine, which is neutral and non-polar, at codon 546 of the GATA6 protein (p.Met546Val).

NM_005257.6(GATA6):c.1636A>G (p.Met546Val)

Gene: GATA6 (GATA binding protein 6; plus strand). Cytogenetic location: 18q11.2.
Variant type: single nucleotide variant.
Coding change: c.1636A>G on transcript NM_005257.6 (MANE Select); coding-DNA position 1636, A replaced by G.
Protein change: p.Met546Val; replaces methionine 546 with valine.
Molecular consequence: missense variant.
Genome position (GRCh38, 1-based): chr18:22,200,671, A>G. VCF-style: chr18-22200671-A-G. GRCh37 (hg19) VCF-style: chr18-19780634-A-G.
Other names: short protein forms M546V.
Identifiers: ClinVar variation 2118575 (VCV002118575.4), dbSNP rs2510640103, ClinGen allele CA401803036.